The following is an entry in ClinVar:

NM_000155.4(GALT):c.814del (p.Arg272fs)

Gene: GALT (galactose-1-phosphate uridylyltransferase; plus strand). Cytogenetic location: 9p13.3.
Variant type: Deletion.
Coding change: c.814del on transcript NM_000155.4 (MANE Select); coding-DNA position 814, one base deleted (C; older notation c.814delC).
Protein change: p.Arg272fs; shifts the reading frame from arginine 272.
Molecular consequence: frameshift variant.
Genome position (GRCh38, 1-based): chr9:34,648,888, C deleted. VCF-style (leftmost placement, unchanged base first): chr9-34648887-GC-G. GRCh37 (hg19) VCF-style: chr9-34648884-GC-G.
Other names: c.487del, p.Arg163fs (NM_001258332.2); c.814delC (NM_000155.3); short protein forms R163fs, R272fs.
Identifiers: ClinVar variation 1073718 (VCV001073718.8), dbSNP rs2132345163, ClinGen allele CA2499219853.
Genomic context (GRCh38, chr9:34,648,887, plus strand): 5'-CCAGACACTGCTGCTGCCCCGTCGGCATGTGCGGCGGCTACCTGAGCTGACCCCTGCTGA[GC>G]GTGATGGTCAGTCTCCCAAGTAGGATCCTGGGGCTAGGCACTGGATGGAGGTTGCTCCCA-3'

ClinVar aggregate classification (germline): Pathogenic/Likely pathogenic. Review status: criteria provided, multiple submitters, no conflicts (2 of 4 stars). 2 submissions from 2 submitters: Pathogenic (1); Likely pathogenic (1). Last evaluated 2024-04-26.

Conditions:
Deficiency of UDPglucose-hexose-1-phosphate uridylyltransferase. Also called: GALACTOSE-1-PHOSPHATE URIDYLYLTRANSFERASE DEFICIENCY; GALACTOSEMIA I; GALT deficiency; Galactosemia, classic; Transferase Deficiency Galactosemia. Identifiers: Orphanet 352, Orphanet 79239, MedGen C0268151, MONDO:0009258, OMIM 230400.
Galactosemia. Also called: Galactose intolerance. Identifiers: Orphanet 352, MedGen C0016952, MONDO:0018116, HP:0004919. Disease mechanism: loss of function.

Submissions (2):

Natera, Inc.
Classification: Likely pathogenic for Galactosemia. Last evaluated: 2024-04-26. Review status: criteria provided, single submitter. Criteria: Natera Variant Classification Schema (03/2026). Collection method: clinical testing. Allele origin: germline.
Comment: The c.814delC variant in GALT is a frameshift variant predicted to shift the reading frame beginning at codon 272 and leads to a stop codon 4 codons downstream. This variant is expected to result in nonsense mediated decay, truncation, or a dysfunctional protein product. This variant is rare in the general population with a frequency below the threshold expected for the associated phenotype(s). Given the available evidence, this variant is classified as Likely Pathogenic.

Labcorp Genetics (formerly Invitae), Labcorp
Classification: Pathogenic for Deficiency of UDPglucose-hexose-1-phosphate uridylyltransferase. Last evaluated: 2020-06-21. Review status: criteria provided, single submitter. Criteria: Invitae Variant Classification Sherloc (09022015). Collection method: clinical testing. Allele origin: germline.
Comment: This variant has not been reported in the literature in individuals with GALT-related conditions. For these reasons, this variant has been classified as Pathogenic. Loss-of-function variants in GALT are known to be pathogenic (PMID: 22944367). Algorithms developed to predict the effect of sequence changes on RNA splicing suggest that this variant may create or strengthen a splice site, but this prediction has not been confirmed by published transcriptional studies. This variant is not present in population databases (ExAC no frequency). This sequence change creates a premature translational stop signal (p.Arg272Valfs*4) in the GALT gene. It is expected to result in an absent or disrupted protein product.

Literature cited by the submitters: PubMed 22944367 (cited by Labcorp Genetics (formerly Invitae), Labcorp).